The following is an entry in ClinVar:

NM_005529.7(HSPG2):c.4571C>T (p.Ala1524Val)

Gene: HSPG2 (heparan sulfate proteoglycan 2; minus strand). Cytogenetic location: 1p36.12.
Variant type: single nucleotide variant.
Coding change: c.4571C>T on transcript NM_005529.7 (MANE Select); coding-DNA position 4571, C replaced by T.
Protein change: p.Ala1524Val; replaces alanine 1524 with valine.
Molecular consequence: missense variant.
Genome position (GRCh38, 1-based): chr1:21,864,898, G>A on the plus strand (C>T on the coding strand, the complement: HSPG2 is on the minus strand). VCF-style: chr1-21864898-G-A. GRCh37 (hg19) VCF-style: chr1-22191391-G-A.
Other names: c.4574C>T, p.Ala1525Val (NM_001291860.2); short protein forms A1524V, A1525V.
Identifiers: ClinVar variation 618683 (VCV000618683.17), dbSNP rs144546505, ClinGen allele CA672227.

ClinVar aggregate classification (germline): Uncertain significance. Review status: criteria provided, multiple submitters, no conflicts (2 of 4 stars). 4 submissions from 4 submitters: Uncertain significance (4). Last evaluated 2022-04-15.

Allele frequency attached by ClinVar (database versions not stated): gnomAD exomes 0.00002 and 0.00005; ExAC 0.00006; gnomAD 0.00016 and 0.00018; ESP Exome Variant Server 0.00023; TOPMed 0.00029.
gnomAD v4.1: 48 of 1,610,336 alleles (0.003%); highest among the groups gnomAD compares: African/African-American, 0.06%; no homozygotes.

Submissions (4):

Labcorp Genetics (formerly Invitae), Labcorp
Classification: Uncertain significance. Last evaluated: 2022-04-15. Review status: criteria provided, single submitter. Criteria: Invitae Variant Classification Sherloc (09022015). Collection method: clinical testing. Allele origin: germline.
Comment: This sequence change replaces alanine, which is neutral and non-polar, with valine, which is neutral and non-polar, at codon 1524 of the HSPG2 protein (p.Ala1524Val). This variant is present in population databases (rs144546505, gnomAD 0.05%). This variant has not been reported in the literature in individuals affected with HSPG2-related conditions. ClinVar contains an entry for this variant (Variation ID: 618683). Algorithms developed to predict the effect of missense changes on protein structure and function are either unavailable or do not agree on the potential impact of this missense change (SIFT: "Deleterious"; PolyPhen-2: "Probably Damaging"; Align-GVGD: "Class C0"). In summary, the available evidence is currently insufficient to determine the role of this variant in disease. Therefore, it has been classified as a Variant of Uncertain Significance.

GeneDx
Classification: Uncertain significance. Last evaluated: 2021-07-26. Review status: criteria provided, single submitter. Criteria: GeneDx Variant Classification Process June 2021. Collection method: clinical testing. Allele origin: germline. Affected: yes.
Comment: Has not been previously published as pathogenic or benign to our knowledge; In silico analysis supports that this missense variant has a deleterious effect on protein structure/function

Revvity Omics, Revvity
Classification: Uncertain significance. Last evaluated: 2020-04-02. Review status: criteria provided, single submitter. Criteria: ACMG Guidelines, 2015. Collection method: clinical testing. Allele origin: germline.

ARUP Laboratories, Molecular Genetics and Genomics, ARUP Laboratories
Classification: Uncertain significance. Last evaluated: 2017-08-17. Review status: criteria provided, single submitter. Criteria: ARUP Molecular Germline Variant Investigation Process. Collection method: clinical testing. Allele origin: germline.